The following is an entry in ClinVar:

ClinVar aggregate classification (germline): Uncertain significance (1 of 4 stars; one submission).

Allele frequency attached by ClinVar (database versions not stated): TOPMed below 0.00001.

Submission:

Labcorp Genetics (formerly Invitae), Labcorp
Classification: Uncertain significance. Last evaluated: 2022-03-09. Review status: criteria provided, single submitter. Criteria: Invitae Variant Classification Sherloc (09022015). Collection method: clinical testing. Allele origin: germline.
Comment: This variant has not been reported in the literature in individuals affected with CREB3L1-related conditions. This variant is not present in population databases (gnomAD no frequency). This sequence change replaces glycine, which is neutral and non-polar, with arginine, which is basic and polar, at codon 23 of the CREB3L1 protein (p.Gly23Arg). Algorithms developed to predict the effect of missense changes on protein structure and function are either unavailable or do not agree on the potential impact of this missense change (SIFT: "Tolerated"; PolyPhen-2: "Possibly Damaging"; Align-GVGD: "Class C0"). In summary, the available evidence is currently insufficient to determine the role of this variant in disease. Therefore, it has been classified as a Variant of Uncertain Significance.

NM_052854.4(CREB3L1):c.67G>C (p.Gly23Arg)

Gene: CREB3L1 (cAMP responsive element binding protein 3 like 1; plus strand). Cytogenetic location: 11p11.2.
Variant type: single nucleotide variant.
Coding change: c.67G>C on transcript NM_052854.4 (MANE Select); coding-DNA position 67, G replaced by C.
Protein change: p.Gly23Arg; replaces glycine 23 with arginine.
Molecular consequence: missense variant.
Genome position (GRCh38, 1-based): chr11:46,278,178, G>C. VCF-style: chr11-46278178-G-C. GRCh37 (hg19) VCF-style: chr11-46299729-G-C.
Other names: short protein forms G23R.
Identifiers: ClinVar variation 2107879 (VCV002107879.4), dbSNP rs866493698, ClinGen allele CA380204933.